The following is an entry in ClinVar:

NM_015158.5(KANK1):c.313A>G (p.Asn105Asp)

Gene: KANK1 (KN motif and ankyrin repeat domains 1; plus strand). Cytogenetic location: 9p24.3.
Variant type: single nucleotide variant.
Coding change: c.313A>G on transcript NM_015158.5 (MANE Select); coding-DNA position 313, A replaced by G.
Protein change: p.Asn105Asp; replaces asparagine 105 with aspartic acid.
Molecular consequence: missense variant. On other transcripts: 5 prime UTR variant (12), non-coding transcript variant (1).
Genome position (GRCh38, 1-based): chr9:711,079, A>G. VCF-style: chr9-711079-A-G. GRCh37 (hg19) VCF-style: chr9-711079-A-G.
Other names: c.313A>G, p.Asn105Asp (NM_001256876.3, NM_001256877.3, NM_001354331.2 and 2 more transcripts); c.-162A>G (NM_001354333.2, NM_001354335.2, NM_001354336.2 and 9 more transcripts); short protein forms N105D.
Identifiers: ClinVar variation 1918326 (VCV001918326.5), dbSNP rs200846414, ClinGen allele CA4959912.

ClinVar aggregate classification (germline): Uncertain significance (1 of 4 stars; one submission).

Allele frequency attached by ClinVar (database versions not stated): ExAC 0.00002.
gnomAD v4.1: 8 of 1,614,032 alleles (0.0005%); highest among the groups gnomAD compares: African/African-American, 0.0027%; no homozygotes.

Submission:

Labcorp Genetics (formerly Invitae), Labcorp
Classification: Uncertain significance. Last evaluated: 2023-08-17. Review status: criteria provided, single submitter. Criteria: Invitae Variant Classification Sherloc (09022015). Collection method: clinical testing. Allele origin: germline.
Comment: In summary, the available evidence is currently insufficient to determine the role of this variant in disease. Therefore, it has been classified as a Variant of Uncertain Significance. An algorithm developed to predict the effect of missense changes on protein structure and function (PolyPhen-2) suggests that this variant is likely to be tolerated. ClinVar contains an entry for this variant (Variation ID: 1918326). This variant has not been reported in the literature in individuals affected with KANK1-related conditions. This variant is present in population databases (rs200846414, gnomAD 0.004%). This sequence change replaces asparagine, which is neutral and polar, with aspartic acid, which is acidic and polar, at codon 105 of the KANK1 protein (p.Asn105Asp).